The following is an entry in ClinVar:

NM_018109.4(MTPAP):c.1386+241C>T

Gene: MTPAP (mitochondrial poly(A) polymerase; minus strand). Cytogenetic location: 10p11.23.
Variant type: single nucleotide variant.
Coding change: c.1386+241C>T on transcript NM_018109.4 (MANE Select); 241 bases into the intron after coding-DNA position 1386, C replaced by T.
Molecular consequence: intron variant.
Genome position (GRCh38, 1-based): chr10:30,315,722, G>A on the plus strand (C>T on the coding strand, the complement: MTPAP is on the minus strand). VCF-style: chr10-30315722-G-A. GRCh37 (hg19) VCF-style: chr10-30604651-G-A.
Identifiers: ClinVar variation 673315 (VCV000673315.1), dbSNP rs188849635, ClinGen allele CA205302384.

ClinVar aggregate classification (germline): Likely benign (1 of 4 stars; one submission).

Allele frequency attached by ClinVar (database versions not stated): 1000 Genomes Project 0.00339; 1000 Genomes Project 30x 0.00359; gnomAD 0.00366 and 0.00399; TOPMed 0.00406.
gnomAD v4.1: 554 of 152,262 alleles (0.36%); highest among the groups gnomAD compares: African/African-American, 1.2%; 5 homozygotes.

Submission:

GeneDx
Classification: Likely benign. Last evaluated: 2018-06-14. Review status: criteria provided, single submitter. Criteria: GeneDx Variant Classification (06012015). Collection method: clinical testing. Allele origin: germline. Affected: yes.
Comment: This variant is considered likely benign or benign based on one or more of the following criteria: it is a conservative change, it occurs at a poorly conserved position in the protein, it is predicted to be benign by multiple in silico algorithms, and/or has population frequency not consistent with disease.